The following is an entry in ClinVar:

ClinVar aggregate classification (germline): Uncertain significance (1 of 4 stars; one submission).

Conditions:
Koolen-de Vries syndrome (KDVS). Identifiers: Orphanet 96169, MedGen C1864871, MONDO:0012496, OMIM 610443.

Submission:

Labcorp Genetics (formerly Invitae), Labcorp
Classification: Uncertain significance for Koolen-de Vries syndrome. Last evaluated: 2017-12-13. Review status: criteria provided, single submitter. Criteria: Invitae Variant Classification Sherloc (09022015). Collection method: clinical testing. Allele origin: germline.
Comment: Algorithms developed to predict the effect of missense changes on protein structure and function output the following: SIFT: "Tolerated"; PolyPhen-2: "Benign"; Align-GVGD: "Class C0". The serine amino acid residue is found in multiple mammalian species, suggesting that this missense change does not adversely affect protein function. These predictions have not been confirmed by published functional studies and their clinical significance is uncertain. This sequence change replaces asparagine with serine at codon 39 of the KANSL1 protein (p.Asn39Ser). The asparagine residue is highly conserved and there is a small physicochemical difference between asparagine and serine. This variant is not present in population databases (ExAC no frequency). This variant has not been reported in the literature in individuals with KANSL1-related disease. In summary, the available evidence is currently insufficient to determine the role of this variant in disease. Therefore, it has been classified as a Variant of Uncertain Significance.

NM_015443.4(KANSL1):c.116A>G (p.Asn39Ser)

Gene: KANSL1 (KAT8 regulatory NSL complex subunit 1). Cytogenetic location: 17q21.31.
Variant type: single nucleotide variant.
Coding change: c.116A>G on transcript NM_015443.4 (MANE Select); coding-DNA position 116, A replaced by G.
Protein change: p.Asn39Ser; replaces asparagine 39 with serine.
Molecular consequence: missense variant.
Genome position (GRCh38, 1-based): chr17:46,172,028, T>C on the plus strand (A>G on the coding strand, the complement: KANSL1 is on the minus strand). VCF-style: chr17-46172028-T-C. GRCh37 (hg19) VCF-style: chr17-44249394-T-C.
Other names: c.116A>G, p.Asn39Ser (NM_001193465.2, NM_001193466.2, NM_001379198.1); short protein forms N39S.
Identifiers: ClinVar variation 536305 (VCV000536305.8), dbSNP rs1060502199, ClinGen allele CA399982951.